The following is an entry in ClinVar:

NM_017882.3(CLN6):c.299T>G (p.Leu100Arg)

Gene: CLN6 (CLN6 transmembrane ER protein; minus strand). Cytogenetic location: 15q23.
Variant type: single nucleotide variant.
Coding change: c.299T>G on transcript NM_017882.3 (MANE Select); coding-DNA position 299, T replaced by G.
Protein change: p.Leu100Arg; replaces leucine 100 with arginine.
Molecular consequence: missense variant.
Genome position (GRCh38, 1-based): chr15:68,211,862, A>C on the plus strand (T>G on the coding strand, the complement: CLN6 is on the minus strand). VCF-style: chr15-68211862-A-C. GRCh37 (hg19) VCF-style: chr15-68504200-A-C.
Other names: short protein forms L100R.
Identifiers: ClinVar variation 521000 (VCV000521000.6), dbSNP rs1555438702, ClinGen allele CA392973735.

ClinVar aggregate classification (germline): Uncertain significance. Review status: criteria provided, multiple submitters, no conflicts (2 of 4 stars). 2 submissions from 2 submitters: Uncertain significance (2). Last evaluated 2021-08-12.

Conditions:
Neuronal ceroid lipofuscinosis. Also called: Neuronal Ceroid Lipofuscinoses. Identifiers: Orphanet 216, Orphanet 79263, MedGen C0027877, MONDO:0016295. Disease mechanism: loss of function.
Inborn genetic diseases. Identifiers: MedGen C0950123, MeSH D030342.

Submissions (2):

Labcorp Genetics (formerly Invitae), Labcorp
Classification: Uncertain significance for Neuronal ceroid lipofuscinosis. Last evaluated: 2021-08-12. Review status: criteria provided, single submitter. Criteria: Invitae Variant Classification Sherloc (09022015). Collection method: clinical testing. Allele origin: germline.
Comment: This sequence change replaces leucine with arginine at codon 100 of the CLN6 protein (p.Leu100Arg). The leucine residue is highly conserved and there is a moderate physicochemical difference between leucine and arginine. This variant is not present in population databases (ExAC no frequency). This missense change has been observed in individual(s) with clinical features of CLN6-related conditions (Invitae). ClinVar contains an entry for this variant (Variation ID: 521000). Algorithms developed to predict the effect of missense changes on protein structure and function are either unavailable or do not agree on the potential impact of this missense change (SIFT: "Deleterious"; PolyPhen-2: "Probably Damaging"; Align-GVGD: "Class C0"). In summary, the available evidence is currently insufficient to determine the role of this variant in disease. Therefore, it has been classified as a Variant of Uncertain Significance.

Ambry Genetics
Classification: Uncertain significance for Inborn genetic diseases. Last evaluated: 2016-04-18. Review status: criteria provided, single submitter. Criteria: Ambry exome assertion method (8-5-2015). Collection method: clinical testing. Allele origin: germline. Affected: yes. Observed: 1 variant allele.